The following is an entry in ClinVar:

NM_000342.4(SLC4A1):c.106+1G>A

Gene: SLC4A1 (solute carrier family 4 member 1 (Diego blood group); minus strand). Cytogenetic location: 17q21.31.
Variant type: single nucleotide variant.
Coding change: c.106+1G>A on transcript NM_000342.4 (MANE Select); the canonical splice donor site of the intron after coding-DNA position 106, G replaced by A.
Molecular consequence: splice donor variant.
Genome position (GRCh38, 1-based): chr17:44,262,635, C>T on the plus strand (G>A on the coding strand, the complement: SLC4A1 is on the minus strand). VCF-style: chr17-44262635-C-T. GRCh37 (hg19) VCF-style: chr17-42340003-C-T.
Identifiers: ClinVar variation 2736602 (VCV002736602.3), dbSNP rs2509973787, ClinGen allele CA399797995.

ClinVar aggregate classification (germline): Pathogenic (1 of 4 stars; one submission).

Submission:

Labcorp Genetics (formerly Invitae), Labcorp
Classification: Pathogenic. Last evaluated: 2024-03-26. Review status: criteria provided, single submitter. Criteria: Invitae Variant Classification Sherloc (09022015). Collection method: clinical testing. Allele origin: germline.
Comment: This sequence change affects a donor splice site in intron 3 of the SLC4A1 gene. It is expected to disrupt RNA splicing. Variants that disrupt the donor or acceptor splice site typically lead to a loss of protein function (PMID: 16199547), and loss-of-function variants in SLC4A1 are known to be pathogenic (PMID: 8943874, 10926824, 23255290). This variant is not present in population databases (gnomAD no frequency). Disruption of this splice site has been observed in individual(s) with hereditary spherocytosis (PMID: 23255290). Studies have shown that disruption of this splice site alters SLC4A1 gene expression (PMID: 23255290). Algorithms developed to predict the effect of sequence changes on RNA splicing suggest that this variant may disrupt the consensus splice site. For these reasons, this variant has been classified as Pathogenic.

Literature cited by the submitters: PubMed 16199547; PubMed 8943874; PubMed 10926824; PubMed 23255290.